The following is an entry in ClinVar:

NM_001164508.2(NEB):c.23405C>A (p.Thr7802Asn)

Genes: NEB (nebulin; minus strand), RIF1 (replication timing regulatory factor 1; plus strand). Cytogenetic location: 2q23.3.
Variant type: single nucleotide variant.
Coding change: c.23405C>A on transcript NM_001164508.2 (MANE Select); coding-DNA position 23405, C replaced by A.
Protein change: p.Thr7802Asn; replaces threonine 7802 with asparagine.
Molecular consequence: missense variant.
Genome position (GRCh38, 1-based): chr2:151,508,051, G>T on the plus strand (C>A on the coding strand, the complement: NEB is on the minus strand). VCF-style: chr2-151508051-G-T. GRCh37 (hg19) VCF-style: chr2-152364565-G-T.
Other names: c.23405C>A, p.Thr7802Asn (NM_001164507.2); c.23510C>A, p.Thr7837Asn (NM_001271208.2); c.18302C>A, p.Thr6101Asn (NM_004543.5); short protein forms T7802N, T6101N, T7837N.
Identifiers: ClinVar variation 942458 (VCV000942458.10), dbSNP rs780379101, ClinGen allele CA1906363.
Genomic context (GRCh38, chr2:151,508,051, plus strand): 5'-TAATAAAAACTTACAAGGCTGAAGTTCTTTTGGTTCTCCCGGACTCTCTGTATCTCTGGG[G>T]TGTCCAAAACAGTCTCATAATACGACATGGACTTCTCAGCATCTTCCTTGTACTTTTTCT-3'
Protein context (NP_001157980.2, residues 7792-7812): SMSYYETVLD[Thr7802Asn]PEIQRVRENQ

ClinVar aggregate classification (germline): Uncertain significance. Review status: criteria provided, single submitter (1 of 4 stars). 2 submissions from 2 submitters: Uncertain significance (1). 1 of the submissions does not count toward it. Last evaluated 2022-02-10.

Conditions:
Nemaline myopathy 2 (NEM2). Also called: Nemaline myopathy 2, autosomal recessive. Identifiers: MedGen C1850569, MONDO:0009725, OMIM 256030.

gnomAD v4.1: 3 of 1,611,194 alleles (0.00019%); highest among the groups gnomAD compares: Admixed American, 0.0033%; no homozygotes.

Submissions (2):

Labcorp Genetics (formerly Invitae), Labcorp
Classification: Uncertain significance for Nemaline myopathy 2. Last evaluated: 2022-02-10. Review status: criteria provided, single submitter. Criteria: Invitae Variant Classification Sherloc (09022015). Collection method: clinical testing. Allele origin: germline.
Comment: This sequence change replaces threonine, which is neutral and polar, with asparagine, which is neutral and polar, at codon 7837 of the NEB protein (p.Thr7837Asn). This variant is present in population databases (rs780379101, gnomAD 0.003%). This variant has not been reported in the literature in individuals affected with NEB-related conditions. ClinVar contains an entry for this variant (Variation ID: 942458). Algorithms developed to predict the effect of missense changes on protein structure and function are either unavailable or do not agree on the potential impact of this missense change (SIFT: "Deleterious"; PolyPhen-2: "Not Available"; Align-GVGD: "Class C0"). In summary, the available evidence is currently insufficient to determine the role of this variant in disease. Therefore, it has been classified as a Variant of Uncertain Significance.

Natera, Inc.
Classification: Uncertain significance for Nemaline myopathy type 2. Last evaluated: 2021-08-10. Review status: no assertion criteria provided. Collection method: clinical testing. Allele origin: germline. Not counted in ClinVar's aggregate classification.